The following is an entry in ClinVar:

NM_014845.6(FIG4):c.2714G>A (p.Arg905His)

Gene: FIG4 (FIG4 phosphoinositide 5-phosphatase; plus strand). Cytogenetic location: 6q21.
Variant type: single nucleotide variant.
Coding change: c.2714G>A on transcript NM_014845.6 (MANE Select); coding-DNA position 2714, G replaced by A.
Protein change: p.Arg905His; replaces arginine 905 with histidine.
Molecular consequence: missense variant.
Genome position (GRCh38, 1-based): chr6:109,825,255, G>A. VCF-style: chr6-109825255-G-A. GRCh37 (hg19) VCF-style: chr6-110146458-G-A.
Other names: short protein forms R905H.
Identifiers: ClinVar variation 1376263 (VCV001376263.6), dbSNP rs780921285, ClinGen allele CA3956491.

ClinVar aggregate classification (germline): Uncertain significance (1 of 4 stars; one submission).

Conditions:
Charcot-Marie-Tooth disease type 4. Also called: Charcot-Marie-Tooth, Type 4; Charcot-Marie-Tooth disease, type IV. Identifiers: Orphanet 64749, MedGen C4082197, MONDO:0018995.

Allele frequency attached by ClinVar (database versions not stated): gnomAD exomes below 0.00001; ExAC 0.00001.
gnomAD v4.1: 5 of 1,613,950 alleles (0.00031%); highest among the groups gnomAD compares: Non-Finnish European, 0.00042%; no homozygotes.

Submission:

Labcorp Genetics (formerly Invitae), Labcorp
Classification: Uncertain significance for Charcot-Marie-Tooth disease type 4. Last evaluated: 2025-03-10. Review status: criteria provided, single submitter. Criteria: Invitae Variant Classification Sherloc (09022015). Collection method: clinical testing. Allele origin: germline.
Comment: This sequence change replaces arginine, which is basic and polar, with histidine, which is basic and polar, at codon 905 of the FIG4 protein (p.Arg905His). The frequency data for this variant in the population databases is considered unreliable, as metrics indicate poor data quality at this position in the gnomAD database. This variant has not been reported in the literature in individuals affected with FIG4-related conditions. ClinVar contains an entry for this variant (Variation ID: 1376263). An algorithm developed to predict the effect of missense changes on protein structure and function (PolyPhen-2) suggests that this variant is likely to be disruptive. In summary, the available evidence is currently insufficient to determine the role of this variant in disease. Therefore, it has been classified as a Variant of Uncertain Significance.